The following is an entry in ClinVar:

NM_182961.4(SYNE1):c.8147A>G (p.Asp2716Gly)

Gene: SYNE1 (spectrin repeat containing nuclear envelope protein 1; minus strand). Cytogenetic location: 6q25.2.
Variant type: single nucleotide variant.
Coding change: c.8147A>G on transcript NM_182961.4 (MANE Select); coding-DNA position 8147, A replaced by G.
Protein change: p.Asp2716Gly; replaces aspartic acid 2716 with glycine.
Molecular consequence: missense variant.
Genome position (GRCh38, 1-based): chr6:152,390,310, T>C on the plus strand (A>G on the coding strand, the complement: SYNE1 is on the minus strand). VCF-style: chr6-152390310-T-C. GRCh37 (hg19) VCF-style: chr6-152711445-T-C.
Other names: c.8168A>G, p.Asp2723Gly (NM_033071.5); short protein forms D2716G, D2723G.
Identifiers: ClinVar variation 2038458 (VCV002038458.7), dbSNP rs755463414, ClinGen allele CA4057611.

ClinVar aggregate classification (germline): Uncertain significance. Review status: criteria provided, multiple submitters, no conflicts (2 of 4 stars). 2 submissions from 2 submitters: Uncertain significance (2). Last evaluated 2024-09-10.

Conditions:
Emery-Dreifuss muscular dystrophy 4, autosomal dominant (EDMD4). Also called: EMERY-DREIFUSS MUSCULAR DYSTROPHY 4 WITH VARIABLE FEATURES. Identifiers: Orphanet 261, MedGen C2751807, MONDO:0013071, OMIM 612998.
Autosomal recessive ataxia, Beauce type. Also called: SYNE1 Deficiency; Spinocerebellar ataxia, autosomal recessive 8; ATAXIA, RECESSIVE, OF BEAUCE; SYNE1-Related Autosomal Recessive Cerebellar Ataxia. Identifiers: Orphanet 88644, MedGen C1853116, MONDO:0012549, OMIM 610743.

Allele frequency attached by ClinVar (database versions not stated): gnomAD 0.00001; TOPMed 0.00001; ExAC 0.00002; gnomAD exomes 0.00002.
gnomAD v4.1: 32 of 1,613,998 alleles (0.002%); highest among the groups gnomAD compares: Non-Finnish European, 0.0027%; no homozygotes.

Submissions (2):

Revvity Omics, Revvity
Classification: Uncertain significance. Last evaluated: 2024-09-10. Review status: criteria provided, single submitter. Criteria: ACMG Guidelines, 2015. Collection method: clinical testing. Allele origin: germline.

Labcorp Genetics (formerly Invitae), Labcorp
Classification: Uncertain significance for Emery-Dreifuss muscular dystrophy 4, autosomal dominant; Autosomal recessive ataxia, Beauce type. Last evaluated: 2023-07-10. Review status: criteria provided, single submitter. Criteria: Invitae Variant Classification Sherloc (09022015). Collection method: clinical testing. Allele origin: germline.
Comment: ClinVar contains an entry for this variant (Variation ID: 2038458). This variant has not been reported in the literature in individuals affected with SYNE1-related conditions. This variant is present in population databases (rs755463414, gnomAD 0.004%). This sequence change replaces aspartic acid, which is acidic and polar, with glycine, which is neutral and non-polar, at codon 2723 of the SYNE1 protein (p.Asp2723Gly). An algorithm developed to predict the effect of missense changes on protein structure and function (PolyPhen-2) suggests that this variant is likely to be tolerated. In summary, the available evidence is currently insufficient to determine the role of this variant in disease. Therefore, it has been classified as a Variant of Uncertain Significance.